The following is an entry in ClinVar:

NM_000372.5(TYR):c.1292C>A (p.Pro431Gln)

Gene: TYR (tyrosinase; plus strand). Cytogenetic location: 11q14.3.
Variant type: single nucleotide variant.
Coding change: c.1292C>A on transcript NM_000372.5 (MANE Select); coding-DNA position 1292, C replaced by A.
Protein change: p.Pro431Gln; replaces proline 431 with glutamine.
Molecular consequence: missense variant.
Genome position (GRCh38, 1-based): chr11:89,284,880, C>A. VCF-style: chr11-89284880-C-A. GRCh37 (hg19) VCF-style: chr11-89018048-C-A.
Other names: short protein forms P431Q.
Identifiers: ClinVar variation 3339724 (VCV003339724.1).

ClinVar aggregate classification (germline): Uncertain significance (1 of 4 stars; one submission).

Submission:

Women's Health and Genetics/Laboratory Corporation of America, LabCorp
Classification: Uncertain significance. Last evaluated: 2024-06-06. Review status: criteria provided, single submitter. Criteria: LabCorp Variant Classification Summary - May 2015. Collection method: clinical testing. Allele origin: germline.
Comment: Variant summary: TYR c.1292C>A (p.Pro431Gln) results in a non-conservative amino acid change in the encoded protein sequence. Five of five in-silico tools predict a damaging effect of the variant on protein function. The variant allele was found at a frequency of 4e-06 in 250452 control chromosomes. The available data on variant occurrences in the general population are insufficient to allow any conclusion about variant significance. To our knowledge, no occurrence of c.1292C>A in individuals affected with Oculocutaneous Albinism and no experimental evidence demonstrating its impact on protein function have been reported. No submitters have cited clinical-significance assessments for this variant to ClinVar. Based on the evidence outlined above, the variant was classified as uncertain significance.